The following is an entry in ClinVar:

NM_004360.5(CDH1):c.49-10C>T

Gene: CDH1 (cadherin 1; plus strand). Cytogenetic location: 16q22.1.
Variant type: single nucleotide variant.
Coding change: c.49-10C>T on transcript NM_004360.5 (MANE Select); 10 bases into the intron before coding-DNA position 49, C replaced by T.
Molecular consequence: intron variant.
Genome position (GRCh38, 1-based): chr16:68,738,287, C>T. VCF-style: chr16-68738287-C-T. GRCh37 (hg19) VCF-style: chr16-68772190-C-T.
Other names: c.-1567-10C>T (NM_001317185.2); c.-1771-10C>T (NM_001317186.2); c.49-10C>T (NM_001317184.2).
Identifiers: ClinVar variation 629936 (VCV000629936.13), dbSNP rs975083998, ClinGen allele CA283274174.

ClinVar aggregate classification (germline): Likely benign. Review status: criteria provided, multiple submitters, no conflicts (2 of 4 stars). 4 submissions from 4 submitters: Likely benign (4). Last evaluated 2025-10-27.

Conditions:
Hereditary cancer-predisposing syndrome. Also called: Tumor predisposition; Neoplastic Syndromes, Hereditary; Hereditary Cancer Syndrome; Hereditary neoplastic syndrome. Identifiers: Orphanet 140162, MedGen C0027672, MeSH D009386, MONDO:0015356.
Hereditary diffuse gastric adenocarcinoma (HDGC). Also called: DIFFUSE GASTRIC AND LOBULAR BREAST CANCER SYNDROME. Identifiers: Orphanet 26106, MedGen C1708349, MONDO:0007648, OMIM 137215.

Allele frequency attached by ClinVar (database versions not stated): gnomAD exomes below 0.00001; TOPMed below 0.00001.
gnomAD v4.1: 2 of 1,531,488 alleles (0.00013%); highest among the groups gnomAD compares: Non-Finnish European, 0.00018%; no homozygotes.

Submissions (4):

Labcorp Genetics (formerly Invitae), Labcorp
Classification: Likely benign for Hereditary diffuse gastric adenocarcinoma. Last evaluated: 2025-10-27. Review status: criteria provided, single submitter. Criteria: Invitae Variant Classification Sherloc (09022015). Collection method: clinical testing. Allele origin: germline.

Women's Health and Genetics/Laboratory Corporation of America, LabCorp
Classification: Likely benign. Last evaluated: 2025-05-09. Review status: criteria provided, single submitter. Criteria: LabCorp Variant Classification Summary - May 2015. Collection method: clinical testing. Allele origin: germline.

Myriad Genetics, Inc.
Classification: Likely benign for Hereditary diffuse gastric adenocarcinoma. Last evaluated: 2024-09-11. Review status: criteria provided, single submitter. Criteria: Myriad Autosomal Dominant, Autosomal Recessive and X-Linked Classification Criteria (2023). Collection method: clinical testing. Allele origin: unknown.
Comment: This variant is considered likely benign. This variant is intronic and is not expected to impact mRNA splicing.

Color Diagnostics, LLC DBA Color Health
Classification: Likely benign for Hereditary cancer-predisposing syndrome. Last evaluated: 2017-10-08. Review status: criteria provided, single submitter. Criteria: ACMG Guidelines, 2015. Collection method: clinical testing. Allele origin: germline.